The following is an entry in ClinVar:

NM_000059.4(BRCA2):c.593_596delinsAGG (p.Leu198_Ala199delinsTer)

Gene: BRCA2 (BRCA2 DNA repair associated; plus strand). Cytogenetic location: 13q13.1.
Variant type: Indel.
Coding change: c.593_596delinsAGG on transcript NM_000059.4 (MANE Select); coding-DNA positions 593 to 596, TAGC replaced by AGG.
Protein change: p.Leu198_Ala199delinsTer.
Molecular consequence: nonsense.
Genome position (GRCh38, 1-based): chr13:32,326,575-32,326,578, TAGC replaced by AGG. VCF-style: chr13-32326575-TAGC-AGG. GRCh37 (hg19) VCF-style: chr13-32900712-TAGC-AGG.
Other names: c.593_596delTAGCinsAGG (NM_000059.3).
Identifiers: ClinVar variation 185415 (VCV000185415.14), dbSNP rs786202156, ClinGen allele CA023386.
Genomic context (GRCh38, chr13:32,326,575, plus strand): 5'-AACATATTTCTGAAAGTCTAGGAGCTGAGGTGGATCCTGATATGTCTTGGTCAAGTTCTT[TAGC>AGG]TACACCACCCACCCTTAGTTCTACTGTGCTCATAGGTAATAATAGCAAATGTGTATTTAC-3'

ClinVar aggregate classification (germline): Pathogenic. Review status: reviewed by expert panel (3 of 4 stars). 4 submissions from 4 submitters: Pathogenic (1). 3 of the submissions do not count toward it. Last evaluated 2016-09-08.

Conditions:
Hereditary cancer-predisposing syndrome. Also called: Tumor predisposition; Hereditary Cancer Syndrome; Hereditary neoplastic syndrome; Neoplastic Syndromes, Hereditary. Identifiers: Orphanet 140162, MedGen C0027672, MeSH D009386, MONDO:0015356.
Hereditary breast ovarian cancer syndrome. Also called: Breast and ovarian cancer; Hereditary breast and ovarian cancer syndrome; Hereditary breast and ovarian cancer; BRCA1- and BRCA2-Associated Hereditary Breast and Ovarian Cancer; Hereditary breast and ovarian cancer syndrome (HBOC); Hereditary breast and/or ovarian cancer syndrome. Identifiers: Orphanet 145, MedGen C0677776, MeSH D061325, MONDO:0003582. Disease mechanism: loss of function.
Breast-ovarian cancer, familial, susceptibility to, 2 (BROVCA2). Also called: BRCA2 Hereditary Breast and Ovarian Cancer. Identifiers: Orphanet 145, MedGen C2675520, MONDO:0012933, OMIM 612555. Disease mechanism: loss of function.

Submissions (4):

Evidence-based Network for the Interpretation of Germline Mutant Alleles (ENIGMA)
Classification: Pathogenic for Breast-ovarian cancer, familial, susceptibility to, 2. Last evaluated: 2016-09-08. Review status: reviewed by expert panel. Criteria: ENIGMA BRCA1/2 Classification Criteria (2015). Collection method: curation. Allele origin: germline.
Comment: Variant allele predicted to encode a truncated non-functional protein.

Ambry Genetics
Classification: Pathogenic for Hereditary cancer-predisposing syndrome. Last evaluated: 2023-06-14. Review status: criteria provided, single submitter. Criteria: Ambry Variant Classification Scheme 2023. Collection method: clinical testing. Allele origin: germline. Not counted in ClinVar's aggregate classification.
Comment: The c.593_596delTAGCinsAGG pathogenic mutation, located in coding exon 6 of the BRCA2 gene, results from the deletion of 4 nucleotides and insertion of 3 nucleotides causing a translational frameshift with a predicted alternate stop codon (p.L198*). This variant is considered to be rare based on population cohorts in the Genome Aggregation Database (gnomAD). This alteration is expected to result in loss of function by premature protein truncation or nonsense-mediated mRNA decay. As such, this alteration is interpreted as a disease-causing mutation.

Labcorp Genetics (formerly Invitae), Labcorp
Classification: Pathogenic for Hereditary breast ovarian cancer syndrome. Last evaluated: 2017-08-15. Review status: criteria provided, single submitter. Criteria: Invitae Variant Classification Sherloc (09022015). Collection method: clinical testing. Allele origin: germline. Not counted in ClinVar's aggregate classification.
Comment: For these reasons, this variant has been classified as Pathogenic. Loss-of-function variants in BRCA2 are known to be pathogenic (PMID: 20104584). This variant has not been reported in the literature in individuals with BRCA2-related disease. ClinVar contains an entry for this variant (Variation ID: 185415). This variant is not present in population databases (ExAC no frequency). This sequence change creates a premature translational stop signal (p.Leu198*) in the BRCA2 gene. It is expected to result in an absent or disrupted protein product.

Quest Diagnostics Nichols Institute San Juan Capistrano
Classification: Pathogenic. Last evaluated: 2016-12-31. Review status: criteria provided, single submitter. Criteria: Quest Diagnostics criteria. Collection method: clinical testing. Allele origin: germline. Not counted in ClinVar's aggregate classification.

Literature cited by the submitters: PubMed 20104584 (cited by Labcorp Genetics (formerly Invitae), Labcorp).